The following is an entry in ClinVar:

ClinVar aggregate classification (germline): Conflicting classifications of pathogenicity. Review status: criteria provided, conflicting classifications (1 of 4 stars). 11 submissions from 11 submitters: Pathogenic (2); Likely pathogenic (1); Uncertain significance (2); Likely benign (5). 1 of the submissions does not count toward it. Last evaluated 2025-07-23.

Conditions:
Hereditary factor VIII deficiency disease (HEMA). Also called: AUTOSOMAL HEMOPHILIA A; Hemophilia A; HEMOPHILIA, CLASSIC; Hemophilia A, congenital; HEM A; Factor 8 deficiency, congenital. Identifiers: Orphanet 98878, MedGen C0019069, MONDO:0010602, OMIM 306700.
Thrombophilia, X-linked, due to factor 8 defect. Also called: THROMBOPHILIA, X-LINKED, DUE TO FACTOR VIII DEFECT; Thrombophilia 13, X-linked, due to factor VIII defect. Identifiers: MedGen C5676879, MONDO:0859082, OMIM 301071.
F8-related disorder. Also called: F8-related condition.
Hemorrhage. Identifiers: MedGen C0019080, MeSH D006470.

Allele frequency attached by ClinVar (database versions not stated): ESP Exome Variant Server 0.00009; gnomAD exomes 0.00018 and 0.00029; gnomAD 0.00018 and 0.00021; TOPMed 0.00019; ExAC 0.00013; 1000 Genomes Project 30x 0.00021; 1000 Genomes Project 0.00026.
gnomAD v4.1: 336 of 1,206,742 alleles (0.028%); highest among the groups gnomAD compares: Middle Eastern, 0.047%; no homozygotes.

Submissions (11):

Women's Health and Genetics/Laboratory Corporation of America, LabCorp
Classification: Likely benign. Last evaluated: 2025-07-23. Review status: criteria provided, single submitter. Criteria: LabCorp Variant Classification Summary - May 2015. Collection method: clinical testing. Allele origin: germline.
Comment: Variant summary: F8 c.396A>C (p.Glu132Asp) results in a conservative amino acid change in the encoded protein sequence. Algorithms developed to predict the effect of missense changes on protein structure and function are either unavailable or do not agree on the potential impact of this missense change. The variant allele was found at a frequency of 0.00018 in 182311 control chromosomes in the gnomAD database, including 1 homozygote and 12 hemizygotes (gnomAD v2). This frequency is not significantly higher than estimated for a pathogenic variant in F8 causing Factor VIII Deficiency (Hemophilia A) (0.00018 vs 0.0098), allowing no conclusion about variant significance. c.396A>C has been observed in individual(s) affected with Factor VIII Deficiency (Hemophilia A), bleeding disorders and inherited hemostasis disorders, without strong evidence for causailty (example, Baz_2021,Johnsen_2022, Stefanucci_2023). These report(s) do not provide unequivocal conclusions about association of the variant with Factor VIII Deficiency (Hemophilia A). Co-occurrences with other pathogenic variant(s) have been reported in at-least 23 patients with Hemophilia A (F8 c.992T>C, p.Ile331Thr; F8 c.1834C>T, p.Arg612Cys), providing supporting evidence for a benign role (Freson_1998, Bakija_2015). To our knowledge, no experimental evidence demonstrating an impact on protein function has been reported. The following publications have been ascertained in the context of this evaluation (PMID: 37647632, 26057490, 34272389, 9603440, 35770352). ClinVar contains an entry for this variant (Variation ID: 10171). Based on the evidence outlined above, the variant was classified as likely benign.

PreventionGenetics, part of Exact Sciences
Classification: Pathogenic for F8-related condition. Last evaluated: 2024-11-18. Review status: criteria provided, single submitter. Criteria: ACMG Guidelines, 2015. Collection method: clinical testing. Allele origin: germline.
Comment: The F8 c.396A>C variant is predicted to result in the amino acid substitution p.Glu132Asp. Using legacy nomenclature, this variant is also referred to as p.Glu113Asp. This variant has been reported to be causative for Hemophilia A (Freson et al. 1998. PubMed ID: 9603440; Markoff et al. 2009. PubMed ID: 19473423; Trampuš Bakija et al. 2015. PubMed ID: 26057490; Supplemental Table 2, Baz et al. 2021. PubMed ID: 34272389). Of note, another variant impacting the same amino acid has also been reported in individuals with Hemophilia A [c.395A>C (p.Glu132Ala, aka p.Glu113Ala using legacy nomenclature), Repesse et al. 2007. PubMed ID: 17445092]. This variant is reported in 0.034% of alleles in individuals of European (Non-Finnish) descent in gnomAD. This variant is interpreted as pathogenic.

Blueprint Genetics
Classification: Likely benign. Last evaluated: 2024-10-31. Review status: criteria provided, single submitter. Criteria: ACMG Guidelines, 2015. Collection method: clinical testing. Allele origin: germline.

MVZ Martinsried, Medicover Genetics
Classification: Uncertain significance for Hereditary factor VIII deficiency disease. Last evaluated: 2024-01-08. Review status: criteria provided, single submitter. Criteria: ACGS Guidelines, 2020. Collection method: clinical testing. Allele origin: unknown. Affected: yes.

CeGaT Center for Human Genetics Tuebingen
Classification: Uncertain significance. Last evaluated: 2023-08-01. Review status: criteria provided, single submitter. Criteria: CeGaT Center For Human Genetics Tuebingen Variant Classification Criteria Version 2. Collection method: clinical testing. Allele origin: germline. Affected: yes. Observed: 4 variant alleles.
Comment: F8: PM1, PM5

Victorian Clinical Genetics Services, Murdoch Childrens Research Institute
Classification: Likely benign for Hereditary factor VIII deficiency disease. Last evaluated: 2023-07-17. Review status: criteria provided, single submitter. Criteria: ACMG Guidelines, 2015. Collection method: clinical testing. Allele origin: germline. Inheritance: X-linked recessive inheritance.
Comment: Based on the classification scheme VCGS_Germline_v1.3.4, this variant is classified as Likely benign. The following criteria are met: 0102 - Loss of function is a known mechanism of disease in this gene and is associated with hemophilia A (MIM#306700). (I) 0109 - This gene is associated with X-linked recessive disease. (I) 0115 - Variants in this gene are known to have variable expressivity. Individuals with hemophilia A vary in severity ranging from mild to severe depending on the plasma levels of coagulation factor VIII (OMIM). (I) 0200 - Variant is predicted to result in a missense amino acid change from glutamic acid to aspartic acid. (I) 0251 - This variant is heterozygous. (I) 0308 - Population frequency for this variant is out of keeping with known incidence of Hemophilia A. This variant is present in gnomAD (v2: 1 homozygote, 12 hemizygotes) and has been identified in a number of unaffected hemizygotes in a newborn screening study of ~454000 UK biobank subjects (PMID:36007526). (SB) 0503 - Missense variant consistently predicted to be tolerated by multiple in silico tools or not conserved in placental mammals with a minor amino acid change. (SB) 0600 - Variant is located in the annotated A1 domain (UniProt). (I) 0705 - No comparable missense variants have previous evidence for pathogenicity. The variant p.(Glu132Ala) has a larger amino acid change (Grantham score = 107) and has been reported once in a patient with mild hemophilia A (PMID: 17445092). (I) 0808 - Previous reports of pathogenicity for this variant are conflicting. This variant has been classified as pathogenic, likely pathogenic and likely benign in ClinVar by other clinical laboratories. In the literature, it has been reported in families with mild hemophilia A (PMID: 22958177; 15921397) however in other families it has been reported in cis with other known pathogenic F8 variants where the pathogenicity of this variant could not be determined (PMID: 9603440; 11442643; 26057490). Internal data shows that individuals with this variant had mildly reduced to normal levels of factor VIII and none reported any history of excessive bleeding. (I) Legend: (SP) - Supporting pathogenic, (I) - Information, (SB) - Supporting benign

Mendelics
Classification: Pathogenic for Thrombophilia, X-linked, due to factor 8 defect. Last evaluated: 2022-05-04. Review status: criteria provided, single submitter. Criteria: Mendelics Assertion Criteria 2019. Collection method: clinical testing. Allele origin: germline.

Fulgent Genetics
Classification: Likely pathogenic for Thrombophilia, X-linked, due to factor 8 defect; Hereditary factor VIII deficiency disease. Last evaluated: 2021-10-29. Review status: criteria provided, single submitter. Criteria: ACMG Guidelines, 2015. Collection method: clinical testing. Allele origin: unknown.

Genetics and Molecular Pathology, SA Pathology
Classification: Likely benign for Hereditary factor VIII deficiency disease. Last evaluated: 2020-08-31. Review status: criteria provided, single submitter. Criteria: ACMG Guidelines, 2015. Collection method: clinical testing. Allele origin: germline. Inheritance: X-linked recessive inheritance.
Comment: The F8:c.396A>C variant is predicted to result in a missense change from glutamic acid to aspartic acid at amino acid 132 (p.Glu132Asp, formerly known as p.Glu113Asp). This variant has an allele frequency of 0.0003158 in non-Finnish European controls (gnomAD 2.1.2). This is significantly higher than expected for a pathogenic variant, given the incidence of haemophilia A (1/4000 males, PMID 32497379), and the proportion of symptomatic haemophilia A attributable to missense variation (17% severe and 81% non-severe haemophilia A, PMID 35770352) (BS1). This variant has been seen in cis to p.Arg612Cys (formerly p.Arg593Cys) in 22 Slovenian patients with Haemophilia A. In this study, an affected patient was identified with the less common p.Arg612Cys alone, but no patients had only F8:c.396A>C. This variant was also reported in cis to a frameshift variant in severe HA (PMID 11442643) (BP2). F8:c.396A>C has been reported in five patients with haemophilia A, prior to the availability of allele frequency databases (PMID 7984443, 19473423, 17445092, 15921397, 16173970), with 5 further unpublished cases on the EAHAD database. However, studies after the development of ACMG variant classification consider this variant benign or of unknown significance (eg. PMID 36007526, 34272389). In a multicentre analysis of US haemophilia treatment centres, with 8976 haemophilia A cases and 2358 haemophilia B cases, this variant was detected in haemophilia B patients and regarded as non-reportable (PMID 35770352). Locally, this variant was identified in two hemizygous males with no clinical or biochemical evidence of haemophilia A (BP5).

ISTH-SSC Genomics in Thrombosis and Hemostasis, KU Leuven, Center for Molecular and Vascular Biology
Classification: Likely benign for Hemorrhage. Review status: criteria provided, single submitter. Criteria: ACMG Guidelines, 2015. Collection method: clinical testing. Allele origin: germline. Affected: yes. Observed: 1 heterozygote.
Comment: Submitted to GoldVariant by Kathleen Freson, Center for Molecular and Vascular Biology, Leuven, Belgium

OMIM
Classification: Pathogenic for HEMOPHILIA A. Last evaluated: 1995-01-01. Review status: no assertion criteria provided. Collection method: literature only. Allele origin: germline. Not counted in ClinVar's aggregate classification.

Literature cited by the submitters: PubMed 34272389 (cited by Women's Health and Genetics/Laboratory Corporation of America, LabCorp and Genetics and Molecular Pathology, SA Pathology); PubMed 35770352 (cited by Women's Health and Genetics/Laboratory Corporation of America, LabCorp and Genetics and Molecular Pathology, SA Pathology); PubMed 37647632 (cited by Women's Health and Genetics/Laboratory Corporation of America, LabCorp); PubMed 26057490 (cited by Women's Health and Genetics/Laboratory Corporation of America, LabCorp and Victorian Clinical Genetics Services, Murdoch Childrens Research Institute); PubMed 9603440 (cited by Women's Health and Genetics/Laboratory Corporation of America, LabCorp and Victorian Clinical Genetics Services, Murdoch Childrens Research Institute); PubMed 11442643 (cited by Victorian Clinical Genetics Services, Murdoch Childrens Research Institute and Genetics and Molecular Pathology, SA Pathology); PubMed 15921397 (cited by Victorian Clinical Genetics Services, Murdoch Childrens Research Institute and Genetics and Molecular Pathology, SA Pathology); PubMed 17445092 (cited by Victorian Clinical Genetics Services, Murdoch Childrens Research Institute and Genetics and Molecular Pathology, SA Pathology); PubMed 22958177 (cited by Victorian Clinical Genetics Services, Murdoch Childrens Research Institute); PubMed 36007526 (cited by Victorian Clinical Genetics Services, Murdoch Childrens Research Institute and Genetics and Molecular Pathology, SA Pathology); PubMed 7984443 (cited by Genetics and Molecular Pathology, SA Pathology); PubMed 16173970 (cited by Genetics and Molecular Pathology, SA Pathology); PubMed 19473423 (cited by Genetics and Molecular Pathology, SA Pathology); PubMed 32497379 (cited by Genetics and Molecular Pathology, SA Pathology); PubMed 7728145 (cited by OMIM); PubMed 6438527 (cited by OMIM).

NM_000132.4(F8):c.396A>C (p.Glu132Asp)

Gene: F8 (coagulation factor VIII; minus strand). Cytogenetic location: Xq28.
Variant type: single nucleotide variant.
Coding change: c.396A>C on transcript NM_000132.4 (MANE Select); coding-DNA position 396, A replaced by C.
Protein change: p.Glu132Asp; replaces glutamic acid 132 with aspartic acid.
Molecular consequence: missense variant.
Genome position (GRCh38, 1-based): chrX:154,993,141, T>G on the plus strand (A>C on the coding strand, the complement: F8 is on the minus strand). VCF-style: chrX-154993141-T-G. GRCh37 (hg19) VCF-style: chrX-154221416-T-G.
Other names: F8, GLU132ASP; short protein forms E132D.
Identifiers: ClinVar variation 10171 (VCV000010171.48), dbSNP rs137852388, ClinGen allele CA255060.
Genomic context (GRCh38, chrX:154,993,141, plus strand): 5'-GCTTCCACCAGGGAAGACTTTATCATCTTCTTTCTCCCTTTGACTGGTCTGATCATCATA[T>G]TCAGCTCCTATAGCAGGAAGAAATAAAATTGTCCTTTCTATATCCACTGTACACTCAAAG-3'
Protein context (NP_000123.1, residues 122-142): VSYWKASEGA[Glu132Asp]YDDQTSQREK